The following is an entry in ClinVar:

NM_000548.5(TSC2):c.3460A>C (p.Thr1154Pro)

Gene: TSC2 (TSC complex subunit 2; plus strand). Cytogenetic location: 16p13.3.
Variant type: single nucleotide variant.
Coding change: c.3460A>C on transcript NM_000548.5 (MANE Select); coding-DNA position 3460, A replaced by C.
Protein change: p.Thr1154Pro; replaces threonine 1154 with proline.
Molecular consequence: missense variant.
Genome position (GRCh38, 1-based): chr16:2,080,227, A>C. VCF-style: chr16-2080227-A-C. GRCh37 (hg19) VCF-style: chr16-2130228-A-C.
Other names: c.3184A>C, p.Thr1062Pro (NM_001318829.2); c.2728A>C, p.Thr910Pro (NM_001318831.2); c.3361A>C, p.Thr1121Pro (NM_001318832.2); c.3331A>C, p.Thr1111Pro (NM_001363528.2, NM_001370405.1, NM_021055.3); c.3328A>C, p.Thr1110Pro (NM_001370404.1, NM_001077183.3); c.3460A>C, p.Thr1154Pro (NM_001114382.3); c.3220A>C, p.Thr1074Pro (NM_001318827.2); c.3460A>C (NM_000548.3); short protein forms T1062P, T1074P, T1110P, T1111P, T1121P, T1154P, T910P.
Identifiers: ClinVar variation 1022153 (VCV001022153.9), dbSNP rs1266509754, ClinGen allele CA394288832.

ClinVar aggregate classification (germline): Uncertain significance. Review status: criteria provided, multiple submitters, no conflicts (2 of 4 stars). 2 submissions from 2 submitters: Uncertain significance (2). Last evaluated 2026-07-02.

Conditions:
Hereditary cancer-predisposing syndrome. Also called: Tumor predisposition; Hereditary Cancer Syndrome; Hereditary neoplastic syndrome; Neoplastic Syndromes, Hereditary. Identifiers: Orphanet 140162, MedGen C0027672, MeSH D009386, MONDO:0015356.
Tuberous sclerosis 2 (TSC2). Identifiers: Orphanet 805, MedGen C1860707, MONDO:0013199, OMIM 613254.

Submissions (2):

Ambry Genetics
Classification: Uncertain significance for Hereditary cancer-predisposing syndrome. Last evaluated: 2026-07-02. Review status: criteria provided, single submitter. Criteria: Ambry Variant Classification Scheme 2023. Collection method: clinical testing. Allele origin: germline.
Comment: The p.T1154P variant (also known as c.3460A>C), located in coding exon 29 of the TSC2 gene, results from an A to C substitution at nucleotide position 3460. The threonine at codon 1154 is replaced by proline, an amino acid with highly similar properties. This amino acid position is conserved. In addition, this alteration is predicted to be tolerated by in silico analysis. Based on the available evidence, the clinical significance of this variant remains unclear.

Labcorp Genetics (formerly Invitae), Labcorp
Classification: Uncertain significance for Tuberous sclerosis 2. Last evaluated: 2020-08-14. Review status: criteria provided, single submitter. Criteria: Invitae Variant Classification Sherloc (09022015). Collection method: clinical testing. Allele origin: germline.
Comment: This sequence change replaces threonine with proline at codon 1154 of the TSC2 protein (p.Thr1154Pro). The threonine residue is weakly conserved and there is a small physicochemical difference between threonine and proline. This variant is not present in population databases (ExAC no frequency). This variant has not been reported in the literature in individuals with TSC2-related conditions. Advanced modeling of protein sequence and biophysical properties (such as structural, functional, and spatial information, amino acid conservation, physicochemical variation, residue mobility, and thermodynamic stability) performed at Invitae indicates that this missense variant is not expected to disrupt TSC2 protein function. In summary, the available evidence is currently insufficient to determine the role of this variant in disease. Therefore, it has been classified as a Variant of Uncertain Significance.